The following is an entry in ClinVar:

NM_016042.4(EXOSC3):c.395_397del (p.Asp132del)

Gene: EXOSC3 (exosome component 3; minus strand). Cytogenetic location: 9p13.2.
Variant type: Deletion.
Coding change: c.395_397del on transcript NM_016042.4 (MANE Select); coding-DNA positions 395 to 397, 3 bases deleted (ATG; older notation c.395_397delATG).
Protein change: p.Asp132del; deletes aspartic acid 132.
Genome position (GRCh38, 1-based): chr9:37,783,991-37,783,993, CAT deleted on the plus strand (ATG on the coding strand, the reverse complement: EXOSC3 is on the minus strand); deleting any 3 consecutive bases within chr9:37,783,991-37,783,995 gives the same sequence; the c. name uses the placement nearest the transcript's 3' end. VCF-style (leftmost placement, unchanged base first): chr9-37783990-ACAT-A. GRCh37 (hg19) VCF-style: chr9-37783987-ACAT-A.
Other names: c.395_397del, p.Asp132del (NM_001002269.2); short protein forms D132del.
Identifiers: ClinVar variation 3641160 (VCV003641160.2).

ClinVar aggregate classification (germline): Pathogenic (1 of 4 stars; one submission).

Conditions:
Pontocerebellar hypoplasia type 1B. Also called: EXOSC3 Pontocerebellar Hypoplasia. Identifiers: Orphanet 2254, MedGen C3553449, MONDO:0013853, OMIM 614678.

Submission:

Labcorp Genetics (formerly Invitae), Labcorp
Classification: Pathogenic for Pontocerebellar hypoplasia type 1B. Last evaluated: 2024-02-16. Review status: criteria provided, single submitter. Criteria: Invitae Variant Classification Sherloc (09022015). Collection method: clinical testing. Allele origin: germline.
Comment: This variant, c.395_397del, results in the deletion of 1 amino acid(s) of the EXOSC3 protein (p.Asp132del), but otherwise preserves the integrity of the reading frame. This variant is not present in population databases (gnomAD no frequency). This variant has not been reported in the literature in individuals affected with EXOSC3-related conditions. This variant disrupts a region of the EXOSC3 protein in which other variant(s) (p.Asp132Ala) have been determined to be pathogenic (PMID: 22544365, 23975261, 24524299, 25533962). This suggests that this is a clinically significant region of the protein, and that variants that disrupt it are likely to be disease-causing. For these reasons, this variant has been classified as Pathogenic.

Literature cited by the submitters: PubMed 22544365; PubMed 23975261; PubMed 24524299; PubMed 25533962.